The following is an entry in ClinVar:

ClinVar aggregate classification (germline): Likely pathogenic (1 of 4 stars; one submission).

Conditions:
Kabuki syndrome 1 (KABUK1). Also called: KMT2D-Related Kabuki Syndrome. Identifiers: Orphanet 2322, MedGen CN030661, MONDO:0007843, OMIM 147920.

Allele frequency attached by ClinVar (database versions not stated): gnomAD exomes below 0.00001.
gnomAD v4.1: 1 of 1,609,494 alleles (0.000062%); highest among the groups gnomAD compares: African/African-American, 0.0013%; no homozygotes.

Submission:

Victorian Clinical Genetics Services, Murdoch Childrens Research Institute
Classification: Likely pathogenic for Kabuki syndrome 1. Last evaluated: 2021-05-06. Review status: criteria provided, single submitter. Criteria: ACMG Guidelines, 2015. Collection method: clinical testing. Allele origin: germline. Inheritance: Autosomal dominant inheritance. Affected: yes.
Comment: Based on the classification scheme VCGS_Germline_v1.3.4, this variant is classified as Likely Pathogenic. Following criteria are met: 0102 - Loss of function is a known mechanism of disease in this gene and is associated with Kabuki syndrome 1 (MIM#147920). (I) 0107 - This gene is associated with autosomal dominant disease. (I) 0200 - Variant is predicted to result in a missense amino acid change from arginine to glutamine. (I) 0251 - This variant is heterozygous. (I) 0301 - Variant is absent from gnomAD (both v2 and v3). (SP) 0309 - An alternative amino acid change p.Arg2001Trp at the same position has been observed in gnomAD (v2) (1 heterozygote, 0 homozygotes). (I) 0501 - Missense variant consistently predicted to be damaging by multiple in silico tools or highly conserved with a major amino acid change. (SP) 0604 - Variant is not located in an established domain, motif, hotspot or informative constraint region. (I) 0705 - No comparable missense variants have previous evidence for pathogenicity. (I) 0807 - This variant has no previous evidence of pathogenicity. (I) 0905 - No published segregation evidence has been identified for this variant. (I) 1007 - No published functional evidence has been identified for this variant. (I) 1102 - Strong phenotype match for this individual. (SP) Legend: (SP) - Supporting pathogenic, (I) - Information, (SB) - Supporting benign

NM_003482.4(KMT2D):c.6002G>A (p.Arg2001Gln)

Gene: KMT2D (lysine methyltransferase 2D; minus strand). Cytogenetic location: 12q13.12.
Variant type: single nucleotide variant.
Coding change: c.6002G>A on transcript NM_003482.4 (MANE Select); coding-DNA position 6002, G replaced by A.
Protein change: p.Arg2001Gln; replaces arginine 2001 with glutamine.
Molecular consequence: missense variant.
Genome position (GRCh38, 1-based): chr12:49,042,196, C>T on the plus strand (G>A on the coding strand, the complement: KMT2D is on the minus strand). VCF-style: chr12-49042196-C-T. GRCh37 (hg19) VCF-style: chr12-49435979-C-T.
Other names: short protein forms R2001Q.
Identifiers: ClinVar variation 1805030 (VCV001805030.1), dbSNP rs2120553637, ClinGen allele CA384627127.